The following is an entry in ClinVar:

NM_015136.3(STAB1):c.6346A>G (p.Thr2116Ala)

Gene: STAB1 (stabilin 1; plus strand). Cytogenetic location: 3p21.1.
Variant type: single nucleotide variant.
Coding change: c.6346A>G on transcript NM_015136.3 (MANE Select); coding-DNA position 6346, A replaced by G.
Protein change: p.Thr2116Ala; replaces threonine 2116 with alanine.
Molecular consequence: missense variant.
Genome position (GRCh38, 1-based): chr3:52,522,111, A>G. VCF-style: chr3-52522111-A-G. GRCh37 (hg19) VCF-style: chr3-52556127-A-G.
Other names: short protein forms T2116A.
Identifiers: ClinVar variation 3770992 (VCV003770992.13).

ClinVar aggregate classification (germline): Likely benign (1 of 4 stars; one submission).

gnomAD v4.1: 2,898 of 1,613,086 alleles (0.18%); highest among the groups gnomAD compares: Non-Finnish European, 0.22%; 8 homozygotes.

Submission:

CeGaT Center for Human Genetics Tuebingen
Classification: Likely benign. Last evaluated: 2025-01-01. Review status: criteria provided, single submitter. Criteria: CeGaT Center For Human Genetics Tuebingen Variant Classification Criteria Version 2. Collection method: clinical testing. Allele origin: germline. Affected: yes. Observed: 1 variant allele.
Comment: STAB1: BP4, BS2